The following is an entry in ClinVar:

ClinVar aggregate classification (germline): Uncertain significance (1 of 4 stars; one submission).

Submission:

GeneDx
Classification: Uncertain significance. Last evaluated: 2020-02-21. Review status: criteria provided, single submitter. Criteria: GeneDx Variant Classification Process June 2021. Collection method: clinical testing. Allele origin: germline. Affected: yes.
Comment: Not observed in large population cohorts (Lek et al., 2016); In silico analysis supports that this missense variant has a deleterious effect on protein structure/function; Has not been previously published as pathogenic or benign to our knowledge

NM_006265.3(RAD21):c.160C>G (p.Arg54Gly)

Gene: RAD21 (RAD21 cohesin complex component; minus strand). Cytogenetic location: 8q24.11.
Variant type: single nucleotide variant.
Coding change: c.160C>G on transcript NM_006265.3 (MANE Select); coding-DNA position 160, C replaced by G.
Protein change: p.Arg54Gly; replaces arginine 54 with glycine.
Molecular consequence: missense variant.
Genome position (GRCh38, 1-based): chr8:116,863,244, G>C on the plus strand (C>G on the coding strand, the complement: RAD21 is on the minus strand). VCF-style: chr8-116863244-G-C. GRCh37 (hg19) VCF-style: chr8-117875483-G-C.
Other names: short protein forms R54G.
Identifiers: ClinVar variation 1316635 (VCV001316635.2), dbSNP rs2130479466, ClinGen allele CA372011014.